The following is an entry in ClinVar:

ClinVar aggregate classification (germline): Benign/Likely benign. Review status: criteria provided, multiple submitters, no conflicts (2 of 4 stars). 2 submissions from 2 submitters: Benign (1); Likely benign (1). Last evaluated 2025-01-24.

Conditions:
Lynch syndrome 4 (LYNCH4). Also called: Colorectal cancer, hereditary nonpolyposis, type 4; Hereditary non-polyposis colorectal cancer, type 4. Identifiers: Orphanet 144, MedGen C1838333, MONDO:0013699, OMIM 614337. Disease mechanism: loss of function.
Hereditary cancer-predisposing syndrome. Also called: Neoplastic Syndromes, Hereditary; Tumor predisposition; Hereditary neoplastic syndrome; Hereditary Cancer Syndrome. Identifiers: Orphanet 140162, MedGen C0027672, MeSH D009386, MONDO:0015356.

Submissions (2):

Myriad Genetics, Inc.
Classification: Benign for Lynch syndrome 4. Last evaluated: 2025-01-24. Review status: criteria provided, single submitter. Criteria: Myriad Autosomal Dominant, Autosomal Recessive and X-Linked Classification Criteria (2023). Collection method: clinical testing. Allele origin: unknown.
Comment: This variant is considered benign. This variant is a silent/synonymous amino acid change and it is not expected to impact splicing.

Ambry Genetics
Classification: Likely benign for Hereditary cancer-predisposing syndrome. Last evaluated: 2023-09-22. Review status: criteria provided, single submitter. Criteria: Ambry Variant Classification Scheme 2023. Collection method: clinical testing. Allele origin: germline.

NM_000535.7(PMS2):c.330T>G (p.Ala110=)

Gene: PMS2 (PMS1 homolog 2, mismatch repair system component; minus strand). Cytogenetic location: 7p22.1.
Variant type: single nucleotide variant.
Coding change: c.330T>G on transcript NM_000535.7 (MANE Select); coding-DNA position 330, T replaced by G.
Protein change: p.Ala110=; no amino-acid change (alanine 110 retained).
Molecular consequence: synonymous variant. On other transcripts: 5 prime UTR variant (25), non-coding transcript variant (1), intron variant (21).
Genome position (GRCh38, 1-based): chr7:6,003,713, A>C on the plus strand (T>G on the coding strand, the complement: PMS2 is on the minus strand). VCF-style: chr7-6003713-A-C. GRCh37 (hg19) VCF-style: chr7-6043344-A-C.
Other names: c.-76T>G (NM_001018040.1, NM_001322003.2, NM_001322004.2 and 14 more transcripts); c.330T>G, p.Ala110= (NM_001322006.2, NM_001322014.2, NM_001406869.1 and 8 more transcripts); c.-555T>G (NM_001322011.2, NM_001322012.2); c.-155T>G (NM_001322015.2, NM_001406875.1, NM_001406877.1 and 3 more transcripts); c.516T>G, p.Ala172= (NM_001406866.1); c.354T>G, p.Ala118= (NM_001406868.1); c.-66T>G (NM_001406890.1); c.35+259T>G (NM_001322008.2, NM_001406902.1, NM_001406883.1 and 4 more transcripts); and 5 more.
Identifiers: ClinVar variation 3232024 (VCV003232024.2), dbSNP rs1785367130, ClinGen allele CA453647899.